The following is an entry in ClinVar:

ClinVar aggregate classification (germline): Uncertain significance (1 of 4 stars; one submission).

Submission:

GeneDx
Classification: Uncertain significance. Last evaluated: 2024-12-19. Review status: criteria provided, single submitter. Criteria: GeneDx Variant Classification Process June 2021. Collection method: clinical testing. Allele origin: germline. Affected: yes.
Comment: Not observed at significant frequency in large population cohorts (gnomAD); In silico analysis indicates that this missense variant does not alter protein structure/function; Has not been previously published as pathogenic or benign to our knowledge

NM_001348716.2(KDM6B):c.2411T>C (p.Leu804Pro)

Gene: KDM6B (lysine demethylase 6B; plus strand). Cytogenetic location: 17p13.1.
Variant type: single nucleotide variant.
Coding change: c.2411T>C on transcript NM_001348716.2 (MANE Select); coding-DNA position 2411, T replaced by C.
Protein change: p.Leu804Pro; replaces leucine 804 with proline.
Molecular consequence: missense variant.
Genome position (GRCh38, 1-based): chr17:7,848,699, T>C. VCF-style: chr17-7848699-T-C. GRCh37 (hg19) VCF-style: chr17-7752017-T-C.
Other names: c.2411T>C, p.Leu804Pro (NM_001080424.2); short protein forms L804P.
Identifiers: ClinVar variation 3906355 (VCV003906355.1).
Genomic context (GRCh38, chr17:7,848,699, plus strand): 5'-TCCCTCCACCCTCTCAGCCACAGCCACCACCACCCCCACCCCCCAGCCCGGCCAGCCTGC[T>C]CAAATCCTTGGCCTCCGTGCTGGAGGGACAAAAGTACTGTTATCGGGGGACTGGAGCAGC-3'
Protein context (NP_001335645.1, residues 794-814): PPPPPSPASL[Leu804Pro]KSLASVLEGQ